The following is an entry in ClinVar:

NM_001750.7(CAST):c.1283C>T (p.Thr428Met)

Gene: CAST (calpastatin; plus strand). Cytogenetic location: 5q15.
Variant type: single nucleotide variant.
Coding change: c.1283C>T on transcript NM_001750.7 (MANE Select); coding-DNA position 1283, C replaced by T.
Protein change: p.Thr428Met; replaces threonine 428 with methionine.
Molecular consequence: missense variant. On other transcripts: non-coding transcript variant (1).
Genome position (GRCh38, 1-based): chr5:96,746,424, C>T. VCF-style: chr5-96746424-C-T. GRCh37 (hg19) VCF-style: chr5-96082128-C-T.
Other names: c.1160C>T, p.Thr387Met (NM_001042440.5, NM_001330627.2); c.1226C>T, p.Thr409Met (NM_001042441.3); c.1217C>T, p.Thr406Met (NM_001042442.3); c.1034C>T, p.Thr345Met (NM_001042443.3); c.911C>T, p.Thr304Met (NM_001042444.3, NM_001284212.4); c.929C>T, p.Thr310Met (NM_001042445.3); c.872C>T, p.Thr291Met (NM_001042446.3, NM_001330630.2); c.995C>T, p.Thr332Met (NM_001190442.2, NM_001330631.2); and 8 more; short protein forms T273M, T291M, T304M, T391M, T409M, T313M, T323M, T326M.
Identifiers: ClinVar variation 790565 (VCV000790565.16), dbSNP rs78054235, ClinGen allele CA3351257.

ClinVar aggregate classification (germline): Benign. Review status: criteria provided, multiple submitters, no conflicts (2 of 4 stars). 2 submissions from 2 submitters: Benign (2). Last evaluated 2026-01-12.

Allele frequency attached by ClinVar (database versions not stated): gnomAD exomes 0.00094 and 0.00258; ExAC 0.00340; gnomAD 0.01002 and 0.01060; ESP Exome Variant Server 0.01053; TOPMed 0.01100; 1000 Genomes Project 0.01258; 1000 Genomes Project 30x 0.01327.
gnomAD v4.1: 2,915 of 1,589,652 alleles (0.18%); highest among the groups gnomAD compares: African/African-American, 3.5%; 56 homozygotes.

Submissions (2):

Labcorp Genetics (formerly Invitae), Labcorp
Classification: Benign. Last evaluated: 2026-01-12. Review status: criteria provided, single submitter. Criteria: Invitae Variant Classification Sherloc (09022015). Collection method: clinical testing. Allele origin: germline.

CeGaT Center for Human Genetics Tuebingen
Classification: Benign. Last evaluated: 2025-10-01. Review status: criteria provided, single submitter. Criteria: CeGaT Center For Human Genetics Tuebingen Variant Classification Criteria Version 2. Collection method: clinical testing. Allele origin: germline. Affected: yes. Observed: 1 variant allele.
Comment: CAST: BP4, BS1, BS2